The following is an entry in ClinVar:

NM_020436.5(SALL4):c.2640_2642del (p.Ser881del)

Gene: SALL4 (spalt like transcription factor 4; minus strand). Cytogenetic location: 20q13.2.
Variant type: Deletion.
Coding change: c.2640_2642del on transcript NM_020436.5 (MANE Select); coding-DNA positions 2640 to 2642, 3 bases deleted (GTC; older notation c.2640_2642delGTC).
Protein change: p.Ser881del; deletes serine 881.
Molecular consequence: inframe indel (on NM_020436.3).
Genome position (GRCh38, 1-based): chr20:51,788,961-51,788,963, GAC deleted on the plus strand (GTC on the coding strand, the reverse complement: SALL4 is on the minus strand); deleting any 3 consecutive bases within chr20:51,788,961-51,788,965 gives the same sequence; the c. name uses the placement nearest the transcript's 3' end. VCF-style (leftmost placement, unchanged base first): chr20-51788960-AGAC-A. GRCh37 (hg19) VCF-style: chr20-50405499-AGAC-A.
Other names: c.1329_1331del, p.Ser444del (NM_001318031.2); c.2638_2640delTCG, p.Ser881del (NM_020436.3); short protein forms S444del, S881del.
Identifiers: ClinVar variation 3364939 (VCV003364939.1).

ClinVar aggregate classification (germline): Uncertain significance (1 of 4 stars; one submission).

Submission:

GeneDx
Classification: Uncertain significance. Last evaluated: 2023-11-27. Review status: criteria provided, single submitter. Criteria: GeneDx Variant Classification Process June 2021. Collection method: clinical testing. Allele origin: germline. Affected: yes.
Comment: Not observed at significant frequency in large population cohorts (gnomAD); In-frame deletion of 1 amino acid in a non-repeat region; In silico analysis supports a deleterious effect on protein structure/function; Has not been previously published as pathogenic or benign to our knowledge